The following is an entry in ClinVar:

NM_003072.5(SMARCA4):c.4005G>A (p.Pro1335=)

Gene: SMARCA4 (SWI/SNF related BAF chromatin remodeling complex subunit ATPase 4; plus strand). Cytogenetic location: 19p13.2.
Variant type: single nucleotide variant.
Coding change: c.4005G>A on transcript NM_003072.5 (MANE Select); coding-DNA position 4005, G replaced by A.
Protein change: p.Pro1335=; no amino-acid change (proline 1335 retained).
Molecular consequence: synonymous variant. On other transcripts: non-coding transcript variant (1).
Genome position (GRCh38, 1-based): chr19:11,034,967, G>A. VCF-style: chr19-11034967-G-A. GRCh37 (hg19) VCF-style: chr19-11145643-G-A.
Other names: c.4005G>A, p.Pro1335= (NM_001128844.3, NM_001128849.3, NM_001387283.1); c.3906G>A, p.Pro1302= (NM_001128845.2, NM_001128846.2, NM_001128847.4 and 2 more transcripts).
Identifiers: ClinVar variation 415105 (VCV000415105.18), dbSNP rs541930013, ClinGen allele CA9204579.

ClinVar aggregate classification (germline): Benign/Likely benign. Review status: criteria provided, multiple submitters, no conflicts (2 of 4 stars). 4 submissions from 4 submitters: Benign (1); Likely benign (3). Last evaluated 2026-07-17.

Conditions:
SMARCA4-related disorder. Also called: SMARCA4-related condition.
Hereditary cancer-predisposing syndrome. Also called: Hereditary Cancer Syndrome; Hereditary neoplastic syndrome; Neoplastic Syndromes, Hereditary; Tumor predisposition. Identifiers: Orphanet 140162, MedGen C0027672, MeSH D009386, MONDO:0015356.
Rhabdoid tumor predisposition syndrome 2 (RTPS2). Identifiers: Orphanet 231108, Orphanet 69077, MedGen C2750074, MONDO:0013224, OMIM 613325.

Allele frequency attached by ClinVar (database versions not stated): TOPMed 0.00004; gnomAD exomes 0.00003 and 0.00002; ExAC 0.00004; 1000 Genomes Project 30x 0.00016; gnomAD 0.00002 and 0.00003; 1000 Genomes Project 0.00020.
gnomAD v4.1: 32 of 1,601,514 alleles (0.002%); highest among the groups gnomAD compares: East Asian, 0.0068%; no homozygotes.

Submissions (4):

Myriad Genetics, Inc.
Classification: Benign for Rhabdoid tumor predisposition syndrome 2. Last evaluated: 2026-07-17. Review status: criteria provided, single submitter. Criteria: Myriad Autosomal Dominant, Autosomal Recessive and X-Linked Classification Criteria (2023). Collection method: clinical testing. Allele origin: unknown.
Comment: This variant is considered benign. This variant is a silent/synonymous amino acid change and it is not expected to impact splicing.

Labcorp Genetics (formerly Invitae), Labcorp
Classification: Likely benign for Rhabdoid tumor predisposition syndrome 2. Last evaluated: 2026-01-27. Review status: criteria provided, single submitter. Criteria: Invitae Variant Classification Sherloc (09022015). Collection method: clinical testing. Allele origin: germline.

PreventionGenetics, part of Exact Sciences
Classification: Likely benign for SMARCA4-related condition. Last evaluated: 2025-02-07. Review status: criteria provided, single submitter. Criteria: ACMG Guidelines, 2015. Collection method: clinical testing. Allele origin: germline.
Comment: This variant is classified as likely benign based on ACMG/AMP sequence variant interpretation guidelines (Richards et al. 2015 PMID: 25741868, with internal and published modifications).

Ambry Genetics
Classification: Likely benign for Hereditary cancer-predisposing syndrome. Last evaluated: 2017-01-30. Review status: criteria provided, single submitter. Criteria: Ambry Variant Classification Scheme 2023. Collection method: clinical testing. Allele origin: germline.